The following is an entry in ClinVar:

NM_001244926.2(PRPF4):c.1495A>G (p.Ile499Val)

Gene: PRPF4 (pre-mRNA splicing tri-snRNP complex factor PRPF4; plus strand). Cytogenetic location: 9q32.
Variant type: single nucleotide variant.
Coding change: c.1495A>G on transcript NM_001244926.2 (MANE Select); coding-DNA position 1495, A replaced by G.
Protein change: p.Ile499Val; replaces isoleucine 499 with valine.
Molecular consequence: missense variant. On other transcripts: non-coding transcript variant (2).
Genome position (GRCh38, 1-based): chr9:113,291,589, A>G. VCF-style: chr9-113291589-A-G. GRCh37 (hg19) VCF-style: chr9-116053869-A-G.
Other names: c.769A>G, p.Ile257Val (NM_001322266.2, NM_001322267.2); c.1498A>G, p.Ile500Val (NM_004697.5); short protein forms I257V, I499V, I500V.
Identifiers: ClinVar variation 953099 (VCV000953099.8), dbSNP rs1421005739, ClinGen allele CA374556338.

ClinVar aggregate classification (germline): Uncertain significance. Review status: criteria provided, multiple submitters, no conflicts (2 of 4 stars). 2 submissions from 2 submitters: Uncertain significance (2). Last evaluated 2025-09-13.

Allele frequency attached by ClinVar (database versions not stated): gnomAD exomes below 0.00001.
gnomAD v4.1: 2 of 1,614,082 alleles (0.00012%); highest among the groups gnomAD compares: Admixed American, 0.0033%; no homozygotes.

Submissions (2):

Labcorp Genetics (formerly Invitae), Labcorp
Classification: Uncertain significance. Last evaluated: 2025-09-13. Review status: criteria provided, single submitter. Criteria: Invitae Variant Classification Sherloc (09022015). Collection method: clinical testing. Allele origin: germline.
Comment: This sequence change replaces isoleucine, which is neutral and non-polar, with valine, which is neutral and non-polar, at codon 500 of the PRPF4 protein (p.Ile500Val). This variant is present in population databases (no rsID available, gnomAD 0.1%). This variant has not been reported in the literature in individuals affected with PRPF4-related conditions. ClinVar contains an entry for this variant (Variation ID: 953099). An algorithm developed to predict the effect of missense changes on protein structure and function (PolyPhen-2) suggests that this variant is likely to be tolerated. In summary, the available evidence is currently insufficient to determine the role of this variant in disease. Therefore, it has been classified as a Variant of Uncertain Significance.

Blueprint Genetics
Classification: Uncertain significance. Last evaluated: 2021-11-02. Review status: criteria provided, single submitter. Criteria: ACMG Guidelines, 2015. Collection method: clinical testing. Allele origin: germline.